The following is an entry in ClinVar:

ClinVar aggregate classification (germline): Pathogenic. Review status: criteria provided, multiple submitters, no conflicts (2 of 4 stars). 5 submissions from 5 submitters: Pathogenic (4). 1 of the submissions does not count toward it. Last evaluated 2026-04-21.

Conditions:
TSC2-related disorder. Also called: TSC2-Related Disorders; TSC2-related condition.
Hereditary cancer-predisposing syndrome. Also called: Hereditary Cancer Syndrome; Neoplastic Syndromes, Hereditary; Hereditary neoplastic syndrome; Tumor predisposition. Identifiers: Orphanet 140162, MedGen C0027672, MeSH D009386, MONDO:0015356.
Tuberous sclerosis syndrome (TSC). Also called: Tuberous Sclerosis Complex; Tuberous sclerosis. Identifiers: Orphanet 805, MedGen C0041341, MONDO:0001734.
Tuberous sclerosis 2 (TSC2). Identifiers: Orphanet 805, MedGen C1860707, MONDO:0013199, OMIM 613254.

Submissions (5):

PreventionGenetics, part of Exact Sciences
Classification: Pathogenic for TSC2-related condition. Last evaluated: 2026-04-21. Review status: criteria provided, single submitter. Criteria: ACMG Guidelines, 2015. Collection method: clinical testing. Allele origin: germline.
Comment: The TSC2 c.2974C>T variant is predicted to result in premature protein termination (p.Gln992*). This variant has been reported in individuals with tuberous sclerosis (Beauchamp et al. 1998. PubMed ID: 9829910; Rosset et al. 2017. PubMed ID: 28968464). This variant has not been reported in a large population database (gnomAD), indicating this variant is rare. It is interpreted as pathogenic in ClinVar (Variation ID: 49236).Nonsense variants in TSC2 are expected to be pathogenic. This variant is interpreted as pathogenic.

NHS Central & South Genomic Laboratory Hub
Classification: Pathogenic for Tuberous sclerosis. Last evaluated: 2025-10-21. Review status: criteria provided, single submitter. Criteria: ACMG Guidelines, 2015. Collection method: clinical testing. Allele origin: germline. Affected: yes.

Labcorp Genetics (formerly Invitae), Labcorp
Classification: Pathogenic for Tuberous sclerosis 2. Last evaluated: 2025-08-25. Review status: criteria provided, single submitter. Criteria: Invitae Variant Classification Sherloc (09022015). Collection method: clinical testing. Allele origin: germline.
Comment: This sequence change creates a premature translational stop signal (p.Gln992*) in the TSC2 gene. It is expected to result in an absent or disrupted protein product. Loss-of-function variants in TSC2 are known to be pathogenic (PMID: 10205261, 17304050). This variant is not present in population databases (gnomAD no frequency). This premature translational stop signal has been observed in individual(s) with tuberous sclerosis complex (PMID: 9829910, 28968464). ClinVar contains an entry for this variant (Variation ID: 49236). For these reasons, this variant has been classified as Pathogenic.

Ambry Genetics
Classification: Pathogenic for Hereditary cancer-predisposing syndrome. Last evaluated: 2019-01-16. Review status: criteria provided, single submitter. Criteria: Ambry Variant Classification Scheme 2023. Collection method: clinical testing. Allele origin: germline.
Comment: The p.Q992* pathogenic mutation (also known as c.2974C>T), located in coding exon 26 of the TSC2 gene, results from a C to T substitution at nucleotide position 2974. This changes the amino acid from a glutamine to a stop codon within coding exon 26. This mutation has been detected in the literature in two individuals with clinical diagnoses or high suspiscions of having tuberous sclerosis complex (TSC) (Beauchamp RL et al. Hum. Mutat., 1998;12:408-16; Rosset C et al. PLoS ONE, 2017 Oct;12:e0185713). In addition to the clinical data presented in the literature, this alteration is expected to result in loss of function by premature protein truncation or nonsense-mediated mRNA decay. As such, this alteration is interpreted as a disease-causing mutation.

Tuberous sclerosis database (TSC2)
No classification provided. Condition: TSC. Review status: no classification provided. Criteria: Tuberous Sclerosis Database Assertion Criteria 2015. Collection method: curation. Allele origin: germline. Affected: yes. Not counted in ClinVar's aggregate classification.

Literature cited by the submitters: PubMed 10205261 (cited by Labcorp Genetics (formerly Invitae), Labcorp); PubMed 17304050 (cited by Labcorp Genetics (formerly Invitae), Labcorp); PubMed 9829910 (cited by Labcorp Genetics (formerly Invitae), Labcorp and Ambry Genetics); PubMed 28968464 (cited by Labcorp Genetics (formerly Invitae), Labcorp and Ambry Genetics).

NM_000548.5(TSC2):c.2974C>T (p.Gln992Ter)

Gene: TSC2 (TSC complex subunit 2; plus strand). Cytogenetic location: 16p13.3.
Variant type: single nucleotide variant.
Coding change: c.2974C>T on transcript NM_000548.5 (MANE Select); coding-DNA position 2974, C replaced by T.
Protein change: p.Gln992Ter; replaces glutamine 992 with a stop codon.
Molecular consequence: nonsense.
Genome position (GRCh38, 1-based): chr16:2,079,039, C>T. VCF-style: chr16-2079039-C-T. GRCh37 (hg19) VCF-style: chr16-2129040-C-T.
Other names: c.2842C>T, p.Gln948Ter (NM_001077183.3, NM_001370404.1); c.2974C>T, p.Gln992Ter (NM_001114382.3); c.2734C>T, p.Gln912Ter (NM_001318827.2); c.2698C>T, p.Gln900Ter (NM_001318829.2); c.2242C>T, p.Gln748Ter (NM_001318831.2); c.2875C>T, p.Gln959Ter (NM_001318832.2); c.2845C>T, p.Gln949Ter (NM_001363528.2, NM_001370405.1, NM_021055.3); c.2974C>T (NM_000548.4); short protein forms Q992*, Q912*, Q949*, Q959*, Q748*, Q900*, Q948*.
Identifiers: ClinVar variation 49236 (VCV000049236.6), dbSNP rs45438592, ClinGen allele CA018343.